The following is an entry in ClinVar:

NM_001080414.4(CCDC88C):c.3323A>C (p.Asn1108Thr)

Gene: CCDC88C (coiled-coil and HOOK domain protein 88C; minus strand). Cytogenetic location: 14q32.11.
Variant type: single nucleotide variant.
Coding change: c.3323A>C on transcript NM_001080414.4 (MANE Select); coding-DNA position 3323, A replaced by C.
Protein change: p.Asn1108Thr; replaces asparagine 1108 with threonine.
Molecular consequence: missense variant.
Genome position (GRCh38, 1-based): chr14:91,305,799, T>G on the plus strand (A>C on the coding strand, the complement: CCDC88C is on the minus strand). VCF-style: chr14-91305799-T-G. GRCh37 (hg19) VCF-style: chr14-91772143-T-G.
Other names: short protein forms N1108T.
Identifiers: ClinVar variation 2342103 (VCV002342103.4), dbSNP rs764392628, ClinGen allele CA7309396.
Genomic context (GRCh38, chr14:91,305,799, plus strand): 5'-CCACTGGTGTTGGGAGCCCCGCTCACCTGCAGCTTGGCGGTCTGGGTCTGCAGTGTGGTG[T>G]TGTGCTCCTGCAGGAAGGCGCTCTGTTTCTGCAGTGTCAAGATCTGGCTGCTGAAGGTCA-3'
Protein context (NP_001073883.2, residues 1098-1118): QKQSAFLQEH[Asn1108Thr]TTLQTQTAKL

ClinVar aggregate classification (germline): Uncertain significance. Review status: criteria provided, multiple submitters, no conflicts (2 of 4 stars). 3 submissions from 3 submitters: Uncertain significance (3). Last evaluated 2025-05-12.

Conditions:
Inborn genetic diseases. Identifiers: MedGen C0950123, MeSH D030342.
Hydrocephalus, nonsyndromic, autosomal recessive 1 (HYC1). Also called: Hydrocephalus, nonsyndromic, autosomal recessive; Congenital hydrocephalus 1. Identifiers: Orphanet 2185, MedGen C3887608, MONDO:0009360, OMIM 236600.

Allele frequency attached by ClinVar (database versions not stated): ExAC 0.00003; gnomAD 0.00005; TOPMed 0.00006.

Submissions (3):

Women's Health and Genetics/Laboratory Corporation of America, LabCorp
Classification: Uncertain significance. Last evaluated: 2025-05-12. Review status: criteria provided, single submitter. Criteria: LabCorp Variant Classification Summary - May 2015. Collection method: clinical testing. Allele origin: germline.
Comment: Variant summary: CCDC88C c.3323A>C (p.Asn1108Thr) results in a non-conservative amino acid change in the encoded protein sequence. Algorithms developed to predict the effect of missense changes on protein structure and function are either unavailable or do not agree on the potential impact of this missense change. The variant allele was found at a frequency of 8.8e-05 in 249062 control chromosomes. This frequency is not significantly higher than estimated for a pathogenic variant in CCDC88C causing CCDC88C-Related Disorders, allowing no conclusion about variant significance. To our knowledge, no occurrence of c.3323A>C in individuals affected with CCDC88C-Related Disorders and no experimental evidence demonstrating its impact on protein function have been reported. ClinVar contains an entry for this variant (Variation ID: 2342103). Based on the evidence outlined above, the variant was classified as uncertain significance.

Ambry Genetics
Classification: Uncertain significance for Inborn genetic diseases. Last evaluated: 2022-10-25. Review status: criteria provided, single submitter. Criteria: Ambry Variant Classification Scheme 2023. Collection method: clinical testing. Allele origin: germline.

Department of Pathology and Laboratory Medicine, Sinai Health System
Classification: Uncertain significance for hydrocephalus, nonsyndromic, autosomal recessive 1. Last evaluated: 2021-11-24. Review status: criteria provided, single submitter. Criteria: ACMG Guidelines, 2015. Collection method: research. Allele origin: germline.